The following is an entry in ClinVar:

ClinVar aggregate classification (germline): Conflicting classifications of pathogenicity. Review status: criteria provided, conflicting classifications (1 of 4 stars). 6 submissions from 3 submitters: Uncertain significance (1); Benign (4); Likely benign (1). Last evaluated 2018-06-29.

Conditions:
Sensory ataxic neuropathy, dysarthria, and ophthalmoparesis (SANDO). Also called: SENSORY ATAXIC NEUROPATHY WITH MITOCHONDRIAL DNA DELETIONS, AUTOSOMAL RECESSIVE; Ataxia Neuropathy Spectrum (ANS); Sensory ataxic neuropathy-dysarthria-ophthalmoparesis syndrome; Epilepsy, progressive myoclonic, type 5. Identifiers: Orphanet 70595, MedGen C1843851, MONDO:0011835, OMIM 607459.
Hereditary spastic paraplegia. Also called: Familial spastic paraparesis. Identifiers: Orphanet 685, MedGen C0037773, MONDO:0019064. Disease mechanism: loss of function.
Infantile onset spinocerebellar ataxia (MTDPS7). Also called: OHAHA SYNDROME; SPINOCEREBELLAR ATAXIA, INFANTILE, WITH SENSORY NEUROPATHY; Mitochondrial DNA depletion syndrome 7 (hepatocerebral type); OPHTHALMOPLEGIA, HYPOTONIA, ATAXIA, HYPOACUSIS, AND ATHETOSIS. Identifiers: Orphanet 1186, MedGen C1849096, MONDO:0010060, OMIM 271245.
Progressive external ophthalmoplegia with mitochondrial DNA deletions, autosomal dominant 3. Also called: PROGRESSIVE EXTERNAL OPHTHALMOPLEGIA, AUTOSOMAL DOMINANT 3. Identifiers: MedGen C1836439, MONDO:0012241, OMIM 609286.
Autosomal recessive cerebellar ataxia. Also called: Spinocerebellar ataxia, autosomal recessive; Spinocerebellar Ataxia, Recessive. Identifiers: Orphanet 1172, MedGen C5575375, MONDO:0015244.

Allele frequency attached by ClinVar (database versions not stated): 1000 Genomes Project 30x 0.00859; 1000 Genomes Project 0.00919; TOPMed 0.01193; gnomAD 0.01296 and 0.01328; gnomAD exomes 0.01543.
gnomAD v4.1: 9,334 of 628,038 alleles (1.5%); highest among the groups gnomAD compares: Non-Finnish European, 1.9%; 84 homozygotes.

Submissions (6):

GeneDx
Classification: Likely benign. Last evaluated: 2018-06-29. Review status: criteria provided, single submitter. Criteria: GeneDx Variant Classification Process June 2021. Collection method: clinical testing. Allele origin: germline. Affected: yes.

Illumina Laboratory Services, Illumina
Classification: Benign for Infantile onset spinocerebellar ataxia. Last evaluated: 2018-01-13. Review status: criteria provided, single submitter. Criteria: ICSL Variant Classification Criteria 13 December 2019. Collection method: clinical testing. Allele origin: germline.
Comment: This variant was observed in the ICSL laboratory as part of a predisposition screen in an ostensibly healthy population. It had not been previously curated by ICSL or reported in the Human Gene Mutation Database (HGMD: prior to June 1st, 2018), and was therefore a candidate for classification through an automated scoring system. Utilizing variant allele frequency, disease prevalence and penetrance estimates, and inheritance mode, an automated score was calculated to assess if this variant is too frequent to cause the disease. Based on the score and internal cut-off values, a variant classified as benign is not then subjected to further curation. The score for this variant resulted in a classification of benign for this disease.

Illumina Laboratory Services, Illumina
Classification: Benign for Autosomal recessive cerebellar ataxia. Last evaluated: 2018-01-13. Review status: criteria provided, single submitter. Criteria: ICSL Variant Classification Criteria 13 December 2019. Collection method: clinical testing. Allele origin: germline.
Comment: the same text as in the submission from Illumina Laboratory Services, Illumina above.

Illumina Laboratory Services, Illumina
Classification: Benign for Sensory ataxic neuropathy-dysarthria-ophthalmoparesis syndrome. Last evaluated: 2018-01-13. Review status: criteria provided, single submitter. Criteria: ICSL Variant Classification Criteria 13 December 2019. Collection method: clinical testing. Allele origin: germline.
Comment: the same text as in the submission from Illumina Laboratory Services, Illumina above.

Illumina Laboratory Services, Illumina
Classification: Benign for Progressive external ophthalmoplegia with mitochondrial DNA deletions, autosomal dominant 3. Last evaluated: 2018-01-13. Review status: criteria provided, single submitter. Criteria: ICSL Variant Classification Criteria 13 December 2019. Collection method: clinical testing. Allele origin: germline.
Comment: the same text as in the submission from Illumina Laboratory Services, Illumina above.

Genome Diagnostics Laboratory, The Hospital for Sick Children
Classification: Uncertain significance for Hereditary spastic paraplegia. Last evaluated: 2017-01-03. Review status: criteria provided, single submitter. Criteria: ACMG Guidelines, 2015. Collection method: clinical testing. Allele origin: germline. Affected: yes.

NM_021830.5(TWNK):c.*204G>A

Gene: TWNK (twinkle mtDNA helicase; plus strand). Cytogenetic location: 10q24.31.
Variant type: single nucleotide variant.
Coding change: c.*204G>A on transcript NM_021830.5 (MANE Select); 204 bases downstream of the stop codon, G replaced by A.
Molecular consequence: 3 prime UTR variant. On other transcripts: non-coding transcript variant (5).
Genome position (GRCh38, 1-based): chr10:100,993,714, G>A. VCF-style: chr10-100993714-G-A. GRCh37 (hg19) VCF-style: chr10-102753471-G-A.
Other names: c.*554G>A (NM_001163812.2, NM_001163814.2); c.*204G>A (NM_001163813.2, NM_001368275.1).
Identifiers: ClinVar variation 298505 (VCV000298505.11), dbSNP rs61871507, ClinGen allele CA10634372.
Genomic context (GRCh38, chr10:100,993,714, plus strand): 5'-GAGAAAATTCAATGTAGCAGACTACTGAGAAACTACTGTGTTGCTCAGGCTTTGTTTGAG[G>A]TCCTGTATATACAGCACTGAAAAGAGAGATAAAGTCCCTGCCTGCATGCATTCTGGCGGA-3'